The following is an entry in ClinVar:

ClinVar aggregate classification (germline): Uncertain significance (1 of 4 stars; one submission).

gnomAD v4.1: 6 of 1,613,904 alleles (0.00037%); highest among the groups gnomAD compares: African/African-American, 0.0027%; no homozygotes.

Submission:

Labcorp Genetics (formerly Invitae), Labcorp
Classification: Uncertain significance. Last evaluated: 2024-02-06. Review status: criteria provided, single submitter. Criteria: Invitae Variant Classification Sherloc (09022015). Collection method: clinical testing. Allele origin: germline.
Comment: This sequence change replaces arginine, which is basic and polar, with serine, which is neutral and polar, at codon 287 of the KL protein (p.Arg287Ser). This variant is not present in population databases (gnomAD no frequency). This missense change has been observed in individual(s) with Kallmann Syndrome (PMID: 30921766). ClinVar contains an entry for this variant (Variation ID: 1497829). Advanced modeling of protein sequence and biophysical properties (such as structural, functional, and spatial information, amino acid conservation, physicochemical variation, residue mobility, and thermodynamic stability) performed at Invitae indicates that this missense variant is expected to disrupt KL protein function with a positive predictive value of 80%. In summary, the available evidence is currently insufficient to determine the role of this variant in disease. Therefore, it has been classified as a Variant of Uncertain Significance.

Literature cited by the submitters: PubMed 30921766.

NM_004795.4(KL):c.859C>A (p.Arg287Ser)

Gene: KL (klotho; plus strand). Cytogenetic location: 13q13.1.
Variant type: single nucleotide variant.
Coding change: c.859C>A on transcript NM_004795.4 (MANE Select); coding-DNA position 859, C replaced by A.
Protein change: p.Arg287Ser; replaces arginine 287 with serine.
Molecular consequence: missense variant.
Genome position (GRCh38, 1-based): chr13:33,053,806, C>A. VCF-style: chr13-33053806-C-A. GRCh37 (hg19) VCF-style: chr13-33627943-C-A.
Other names: short protein forms R287S.
Identifiers: ClinVar variation 1497829 (VCV001497829.6), dbSNP rs766611991, ClinGen allele CA387789947.